The following is an entry in ClinVar:

NM_000271.5(NPC1):c.3614C>G (p.Thr1205Arg)

Gene: NPC1 (NPC intracellular cholesterol transporter 1; minus strand). Cytogenetic location: 18q11.2.
Variant type: single nucleotide variant.
Coding change: c.3614C>G on transcript NM_000271.5 (MANE Select); coding-DNA position 3614, C replaced by G.
Protein change: p.Thr1205Arg; replaces threonine 1205 with arginine.
Molecular consequence: missense variant.
Genome position (GRCh38, 1-based): chr18:23,533,495, G>C on the plus strand (C>G on the coding strand, the complement: NPC1 is on the minus strand). VCF-style: chr18-23533495-G-C. GRCh37 (hg19) VCF-style: chr18-21113459-G-C.
Other names: short protein forms T1205R.
Identifiers: ClinVar variation 505018 (VCV000505018.13), dbSNP rs758902805, ClinGen allele CA401790799.
Genomic context (GRCh38, chr18:23,533,495, plus strand): 5'-TAGAATATCTGGAAAATTTGAGATTTGGCAAAAGCCAACACCACAATCCCTCCAAATTTT[G>C]TAAGTGTGATTCCACTGAACACCTAAAAGAAGAGATACTGTGTTAGAAACCACTTTTACC-3'
Protein context (NP_000262.2, residues 1195-1215): GSSVFSGITL[Thr1205Arg]KFGGIVVLAF

ClinVar aggregate classification (germline): Pathogenic/Likely pathogenic. Review status: criteria provided, multiple submitters, no conflicts (2 of 4 stars). 2 submissions from 2 submitters: Pathogenic (1); Likely pathogenic (1). Last evaluated 2018-10-04.

Conditions:
Niemann-Pick disease, type C (NPC). Identifiers: Orphanet 646, MedGen C0220756, MONDO:0018982.
Niemann-Pick disease, type C1. Also called: NIEMANN-PICK DISEASE, VARIANT TYPE C1; NEUROVISCERAL STORAGE DISEASE WITH VERTICAL SUPRANUCLEAR OPHTHALMOPLEGIA; NIEMANN-PICK DISEASE WITH CHOLESTEROL ESTERIFICATION BLOCK; NIEMANN-PICK DISEASE WITHOUT SPHINGOMYELINASE DEFICIENCY; NIEMANN-PICK DISEASE, CHRONIC NEURONOPATHIC FORM. Identifiers: Orphanet 646, MedGen C3179455, MONDO:0009757, OMIM 257220.

Allele frequency attached by ClinVar (database versions not stated): TOPMed 0.00001.
gnomAD v4.1: 3 of 1,614,198 alleles (0.00019%); highest among the groups gnomAD compares: Non-Finnish European, 0.00025%; no homozygotes.

Submissions (2):

Labcorp Genetics (formerly Invitae), Labcorp
Classification: Pathogenic for Niemann-Pick disease, type C1. Last evaluated: 2018-10-04. Review status: criteria provided, single submitter. Criteria: Invitae Variant Classification Sherloc (09022015). Collection method: clinical testing. Allele origin: germline.
Comment: This variant disrupts the p.Thr1205 amino acid residue in NPC1. Other variant(s) that disrupt this residue have been observed in affected individuals (PMID: 15130691, 22676771, 12955717, 23430855, 11182931, 25236789), suggesting that it is a clinically significant residue. As a result, variants that disrupt this residue are likely to be causative of disease. For these reasons, this variant has been classified as Pathogenic. This sequence change replaces threonine with arginine at codon 1205 of the NPC1 protein (p.Thr1205Arg). The threonine residue is highly conserved and there is a moderate physicochemical difference between threonine and arginine. This variant is not present in population databases (ExAC no frequency). This variant has been observed in several individuals affected with Niemann-Pick Type C (PMID: 11182931, 22676771, 25236789). ClinVar contains an entry for this variant (Variation ID: 505018). Algorithms developed to predict the effect of missense changes on protein structure and function (SIFT, PolyPhen-2, Align-GVGD) all suggest that this variant is likely to be disruptive, but these predictions have not been confirmed by published functional studies and their clinical significance is uncertain. Algorithms developed to predict the effect of sequence changes on RNA splicing suggest that this variant may create or strengthen a splice site, but this prediction has not been confirmed by published transcriptional studies.

Laboratory for Molecular Medicine, Mass General Brigham Personalized Medicine
Classification: Likely pathogenic for Niemann-Pick disease, type C. Last evaluated: 2016-05-10. Review status: criteria provided, single submitter. Criteria: LMM Criteria. Collection method: clinical testing. Allele origin: germline. Inheritance: Autosomal recessive inheritance. Observed: 1 variant allele.
Comment: The p.Thr1205Arg variant in NPC1 has been previously reported in three individua ls with Niemann-Pick disease type C (Yamamoto 2000, Park 2003, Jahnova 2014). At least 2 of these individuals carried the variant in a compound heterozygous sta te (Yamamoto 2000, Jahnova 2014). This variant was absent from large population studies. Computational prediction tools and conservation analysis suggest that t he p.Thr1205Arg variant may impact the protein, though this information is not p redictive enough to determine pathogenicity. In summary, although additional stu dies are required to fully establish its clinical significance, the p.Thr1205Arg variant is likely pathogenic.

Literature cited by the submitters: PubMed 15130691 (cited by Labcorp Genetics (formerly Invitae), Labcorp); PubMed 22676771 (cited by Labcorp Genetics (formerly Invitae), Labcorp); PubMed 12955717 (cited by Labcorp Genetics (formerly Invitae), Labcorp and Laboratory for Molecular Medicine, Mass General Brigham Personalized Medicine); PubMed 23430855 (cited by Labcorp Genetics (formerly Invitae), Labcorp); PubMed 11182931 (cited by Labcorp Genetics (formerly Invitae), Labcorp and Laboratory for Molecular Medicine, Mass General Brigham Personalized Medicine); PubMed 25236789 (cited by Labcorp Genetics (formerly Invitae), Labcorp and Laboratory for Molecular Medicine, Mass General Brigham Personalized Medicine).